The following is an entry in ClinVar:

ClinVar aggregate classification (germline): Likely benign. Review status: criteria provided, multiple submitters, no conflicts (2 of 4 stars). 2 submissions from 2 submitters: Likely benign (2). Last evaluated 2026-01-19.

Conditions:
Birt-Hogg-Dube syndrome 1 (BHD1). Also called: FIBROFOLLICULOMAS WITH TRICHODISCOMAS AND ACROCHORDONS. Identifiers: Orphanet 122, MedGen CN375946, MONDO:0800445, OMIM 135150.
Birt-Hogg-Dube syndrome. Also called: Birt Hogg Dubé syndrome. Identifiers: Orphanet 122, MedGen C0346010, MONDO:0800444.

gnomAD v4.1: 2 of 1,612,534 alleles (0.00012%); highest among the groups gnomAD compares: South Asian, 0.0011%; no homozygotes.

Submissions (2):

Labcorp Genetics (formerly Invitae), Labcorp
Classification: Likely benign for Birt-Hogg-Dube syndrome. Last evaluated: 2026-01-19. Review status: criteria provided, single submitter. Criteria: Invitae Variant Classification Sherloc (09022015). Collection method: clinical testing. Allele origin: germline.

Myriad Genetics, Inc.
Classification: Likely benign for Birt-Hogg-Dube syndrome 1. Last evaluated: 2024-10-23. Review status: criteria provided, single submitter. Criteria: Myriad Autosomal Dominant, Autosomal Recessive and X-Linked Classification Criteria (2023). Collection method: clinical testing. Allele origin: unknown.
Comment: This variant is considered likely benign. This variant is intronic and is not expected to impact mRNA splicing.

NM_144997.7(FLCN):c.872-19C>T

Gene: FLCN (folliculin; minus strand). Cytogenetic location: 17p11.2.
Variant type: single nucleotide variant.
Coding change: c.872-19C>T on transcript NM_144997.7 (MANE Select); 19 bases into the intron before coding-DNA position 872, C replaced by T.
Molecular consequence: intron variant.
Genome position (GRCh38, 1-based): chr17:17,219,228, G>A on the plus strand (C>T on the coding strand, the complement: FLCN is on the minus strand). VCF-style: chr17-17219228-G-A. GRCh37 (hg19) VCF-style: chr17-17122542-G-A.
Other names: c.872-19C>T (NM_001353231.2, NM_001353230.2); c.926-19C>T (NM_001353229.2).
Identifiers: ClinVar variation 3773153 (VCV003773153.2).